The following is an entry in ClinVar:

NM_005633.4(SOS1):c.1473_1474insAAAAAAAAA (p.Lys491_Glu492insLysLysLys)

Gene: SOS1 (SOS Ras/Rac guanine nucleotide exchange factor 1; minus strand). Cytogenetic location: 2p22.1.
Variant type: Insertion.
Coding change: c.1473_1474insAAAAAAAAA on transcript NM_005633.4 (MANE Select); coding-DNA positions 1473 to 1474, AAAAAAAAA inserted.
Protein change: p.Lys491_Glu492insLysLysLys.
Molecular consequence: inframe insertion. On other transcripts: inframe indel (1).
Genome position: GRCh38 VCF-style: chr2-39022954-C-CTTTTTTTTT. GRCh37 (hg19) VCF-style: chr2-39250095-C-CTTTTTTTTT.
Other names: c.1473_1474insAAAAAAAAA (NM_005633.3); c.1452_1453insAAAAAAAAA, p.Lys484_Glu485insLysLysLys (NM_001382394.1); c.1473_1474insAAAAAAAAA, p.Lys491_Glu492insLysLysLys (NM_001382395.1).
Identifiers: ClinVar variation 3254911 (VCV003254911.1), dbSNP rs2529036983.
Genomic context (GRCh38, chr2:39,022,954, plus strand): 5'-GCTTGTATTCATTGGTGTCATCTTTATCATTAATTTGTACCTTTCGCATAAAAAACTTTT[C>CTTTTTTTTT]TTTAAGACGATATTCTGCATTGCTAGCACCAGGAAGTCTTGGCTGCCCATGATTTGATTT-3'

ClinVar aggregate classification (germline): Uncertain significance (1 of 4 stars; one submission).

Conditions:
Noonan syndrome 4 (NS4). Also called: SOS1-Related Noonan Syndrome; NOONAN SYNDROME WITH PIGMENTED VILLONODULAR SYNOVITIS. Identifiers: Orphanet 648, MedGen C1853120, MONDO:0012547, OMIM 610733.

Submission:

Victorian Clinical Genetics Services, Murdoch Childrens Research Institute
Classification: Uncertain significance for Noonan syndrome 4. Last evaluated: 2023-07-16. Review status: criteria provided, single submitter. Criteria: ACMG Guidelines, 2015. Collection method: clinical testing. Allele origin: germline. Inheritance: Autosomal dominant inheritance. Affected: yes.
Comment: Based on the classification scheme VCGS_Germline_v1.3.4, this variant is classified as VUS-3B. Following criteria are met: 0101 - Gain of function is a known mechanism of disease in this gene and is associated with Noonan syndrome 4 (MIM#610733) (PMID: 17143285). (I) 0107 - This gene is associated with autosomal dominant disease. (I) 0213 - In-frame insertion/deletion in a non-repetitive region that has high conservation. (SP) 0251 - This variant is heterozygous. (I) 0301 - Variant is absent from gnomAD (both v2 and v3). (SP) 0600 - Variant is located in the annotated PH domain (DECIPHER). (I) 0705 - No comparable in-frame insertions variants have previous evidence for pathogenicity. (I) 0807 - This variant has no previous evidence of pathogenicity. (I) 0905 - No published segregation evidence has been identified for this variant. (I) 1007 - No published functional evidence has been identified for this variant. (I) 1207 - Parental origin of the variant is unresolved. (I) Legend: (SP) - Supporting pathogenic, (I) - Information, (SB) - Supporting benign

Literature cited by the submitters: PubMed 17143285.